The following is an entry in ClinVar:

NM_004304.5(ALK):c.4834A>C (p.Lys1612Gln)

Gene: ALK (ALK receptor tyrosine kinase; minus strand). Cytogenetic location: 2p23.2.
Variant type: single nucleotide variant.
Coding change: c.4834A>C on transcript NM_004304.5 (MANE Select); coding-DNA position 4834, A replaced by C.
Protein change: p.Lys1612Gln; replaces lysine 1612 with glutamine.
Molecular consequence: missense variant.
Genome position (GRCh38, 1-based): chr2:29,193,253, T>G on the plus strand (A>C on the coding strand, the complement: ALK is on the minus strand). VCF-style: chr2-29193253-T-G. GRCh37 (hg19) VCF-style: chr2-29416119-T-G.
Other names: c.1630A>C, p.Lys544Gln (NM_001353765.2); short protein forms K1612Q, K544Q.
Identifiers: ClinVar variation 2452105 (VCV002452105.2), dbSNP rs2148136965, ClinGen allele CA346460062.
Genomic context (GRCh38, chr2:29,193,253, plus strand): 5'-CCAAGGAAGAGAAGTGAGTGTGCGACCGAGCTCAGGGCCCAGGCTGGTTCATGCTATTCT[T>G]GCTTTTCAGAATGGTATCCTCGTAATGACCAGCTCCAGGGGCAGTAGCGGCTTCTAAGGG-3'
Protein context (NP_004295.2, residues 1602-1620): GHYEDTILKS[Lys1612Gln]NSMNQPGP

ClinVar aggregate classification (germline): Uncertain significance (1 of 4 stars; one submission).

Conditions:
Hereditary cancer-predisposing syndrome. Also called: Neoplastic Syndromes, Hereditary; Tumor predisposition; Hereditary neoplastic syndrome; Hereditary Cancer Syndrome. Identifiers: Orphanet 140162, MedGen C0027672, MeSH D009386, MONDO:0015356.

Submission:

Ambry Genetics
Classification: Uncertain significance for Hereditary cancer-predisposing syndrome. Last evaluated: 2022-12-14. Review status: criteria provided, single submitter. Criteria: Ambry Variant Classification Scheme 2023. Collection method: clinical testing. Allele origin: germline.
Comment: The p.K1612Q variant (also known as c.4834A>C), located in coding exon 29 of the ALK gene, results from an A to C substitution at nucleotide position 4834. The lysine at codon 1612 is replaced by glutamine, an amino acid with similar properties. This amino acid position is conserved. In addition, this alteration is predicted to be tolerated by in silico analysis. Since supporting evidence is limited at this time, the clinical significance of this alteration remains unclear.